The following is an entry in ClinVar:

NM_001723.7(DST):c.4832G>A (p.Cys1611Tyr)

Gene: DST (dystonin; minus strand). Cytogenetic location: 6p12.1.
Variant type: single nucleotide variant.
Coding change: c.4832G>A on transcript NM_001723.7 (MANE Plus Clinical); coding-DNA position 4832, G replaced by A.
Protein change: p.Cys1611Tyr; replaces cysteine 1611 with tyrosine.
Molecular consequence: missense variant. On other transcripts: intron variant (10).
Genome position (GRCh38, 1-based): chr6:56,619,202, C>T on the plus strand (G>A on the coding strand, the complement: DST is on the minus strand). VCF-style: chr6-56619202-C-T. GRCh37 (hg19) VCF-style: chr6-56484000-C-T.
Other names: c.4831-4718G>A (NM_001144769.5); c.4930-4718G>A (NM_001374722.1, NM_001374736.1); c.4957-4718G>A (NM_001374734.1); c.4417-4718G>A (NM_001144770.2); c.4297-4718G>A (NM_001374730.1, NM_001386100.1, NM_183380.4 and 1 more transcripts); c.3319-4718G>A (NM_015548.5); c.4832G>A (NM_001723.5); short protein forms C1611Y.
Identifiers: ClinVar variation 1405897 (VCV001405897.6), dbSNP rs201272960, ClinGen allele CA3870469.
Genomic context (GRCh38, chr6:56,619,202, plus strand): 5'-TGTTCATTTGTGCTGCGTAGCTGATCTTTAAAACCATCTGCCTGAATTTTCAGTGCTTCA[C>T]ATCTTTGCTGGATAGTTTGTTTCTCTAAAACTATATTCTCTGATTCTGCCTGAATTCTCT-3'
Protein context (NP_001714.1, residues 1601-1621): VLEKQTIQQR[Cys1611Tyr]EALKIQADGF

ClinVar aggregate classification (germline): Uncertain significance. Review status: criteria provided, multiple submitters, no conflicts (2 of 4 stars). 2 submissions from 2 submitters: Uncertain significance (2). Last evaluated 2026-08-19.

Conditions:
DST-related disorder. Also called: DST-related condition; DST-related disorders.
Epidermolysis bullosa simplex 3, localized or generalized intermediate, with BP230 deficiency (EBS3). Also called: Epidermolysis bullosa simplex, autosomal recessive 2; Epidermolysis bullosa simplex due to BP230 deficiency. Identifiers: Orphanet 412181, MedGen C3809470, MONDO:0014180, OMIM 615425.
Hereditary sensory and autonomic neuropathy type 6. Also called: HSAN VI; Neuropathy, hereditary sensory and autonomic, type VI. Identifiers: Orphanet 314381, MedGen C3539003, MONDO:0013839, OMIM 614653.

Allele frequency attached by ClinVar (database versions not stated): TOPMed 0.00003; gnomAD exomes 0.00004 and 0.00005; ExAC 0.00005; gnomAD 0.00006 and 0.00007.
gnomAD v4.1: 83 of 1,613,954 alleles (0.0051%); highest among the groups gnomAD compares: Non-Finnish European, 0.0039%; no homozygotes.

Submissions (2):

PreventionGenetics, part of Exact Sciences
Classification: Uncertain significance for DST-related condition. Last evaluated: 2026-08-19. Review status: criteria provided, single submitter. Criteria: ACMG Guidelines, 2015. Collection method: clinical testing. Allele origin: germline.
Comment: The DST c.4832G>A variant is predicted to result in the amino acid substitution p.Cys1611Tyr. To our knowledge, this variant has not been reported in the literature. This variant is reported in 0.040% of alleles in individuals of European (Finnish) descent in gnomAD. At this time, the clinical significance of this variant is uncertain due to the absence of conclusive functional and genetic evidence.

Labcorp Genetics (formerly Invitae), Labcorp
Classification: Uncertain significance for Epidermolysis bullosa simplex 3, localized or generalized intermediate, with BP230 deficiency; Hereditary sensory and autonomic neuropathy type 6. Last evaluated: 2022-02-10. Review status: criteria provided, single submitter. Criteria: Invitae Variant Classification Sherloc (09022015). Collection method: clinical testing. Allele origin: germline.
Comment: This sequence change replaces cysteine, which is neutral and slightly polar, with tyrosine, which is neutral and polar, at codon 1611 of the DST protein (p.Cys1611Tyr). This variant is present in population databases (rs201272960, gnomAD 0.04%). This variant has not been reported in the literature in individuals affected with DST-related conditions. Algorithms developed to predict the effect of missense changes on protein structure and function (SIFT, PolyPhen-2, Align-GVGD) all suggest that this variant is likely to be disruptive. In summary, the available evidence is currently insufficient to determine the role of this variant in disease. Therefore, it has been classified as a Variant of Uncertain Significance.